The following is an entry in ClinVar:

ClinVar aggregate classification (germline): Uncertain significance. Review status: criteria provided, multiple submitters, no conflicts (2 of 4 stars). 2 submissions from 2 submitters: Uncertain significance (2). Last evaluated 2025-09-30.

Conditions:
Pulmonary fibrosis and/or bone marrow failure, Telomere-related, 3. Also called: PULMONARY FIBROSIS AND/OR BONE MARROW FAILURE SYNDROME, TELOMERE-RELATED, 3. Identifiers: Orphanet 2032, MedGen C4225346, MONDO:0014613, OMIM 616373.
Dyskeratosis congenita, autosomal recessive 5 (DKCB5). Identifiers: MedGen C3554656, MONDO:0014076, OMIM 615190.
Inborn genetic diseases. Identifiers: MedGen C0950123, MeSH D030342.

gnomAD v4.1: 34 of 1,601,864 alleles (0.0021%); highest among the groups gnomAD compares: South Asian, 0.037%; 1 homozygote.

Submissions (2):

Labcorp Genetics (formerly Invitae), Labcorp
Classification: Uncertain significance for Dyskeratosis congenita, autosomal recessive 5; Pulmonary fibrosis and/or bone marrow failure, Telomere-related, 3. Last evaluated: 2025-09-30. Review status: criteria provided, single submitter. Criteria: Invitae Variant Classification Sherloc (09022015). Collection method: clinical testing. Allele origin: germline.
Comment: This sequence change replaces alanine, which is neutral and non-polar, with valine, which is neutral and non-polar, at codon 1214 of the RTEL1 protein (p.Ala1214Val). This variant is present in population databases (rs759852939, gnomAD 0.04%), including at least one homozygous and/or hemizygous individual. This variant has not been reported in the literature in individuals affected with RTEL1-related conditions. ClinVar contains an entry for this variant (Variation ID: 3436042). An algorithm developed to predict the effect of missense changes on protein structure and function (PolyPhen-2) suggests that this variant is likely to be tolerated. In summary, the available evidence is currently insufficient to determine the role of this variant in disease. Therefore, it has been classified as a Variant of Uncertain Significance.

Ambry Genetics
Classification: Uncertain significance for Inborn genetic diseases. Last evaluated: 2024-12-08. Review status: criteria provided, single submitter. Criteria: Ambry Variant Classification Scheme 2023. Collection method: clinical testing. Allele origin: germline.
Comment: The p.A1214V variant (also known as c.3641C>T), located in coding exon 33 of the RTEL1 gene, results from a C to T substitution at nucleotide position 3641. The alanine at codon 1214 is replaced by valine, an amino acid with similar properties. This amino acid position is conserved. In addition, this alteration is predicted to be tolerated by in silico analysis. Based on the available evidence, the clinical significance of this variant remains unclear.

NM_001283009.2(RTEL1):c.3641C>T (p.Ala1214Val)

Genes: RTEL1 (regulator of telomere elongation helicase 1; plus strand), RTEL1-TNFRSF6B (RTEL1-TNFRSF6B readthrough (NMD candidate); plus strand). Cytogenetic location: 20q13.33.
Variant type: single nucleotide variant.
Coding change: c.3641C>T on transcript NM_001283009.2 (MANE Select); coding-DNA position 3641, C replaced by T.
Protein change: p.Ala1214Val; replaces alanine 1214 with valine.
Molecular consequence: missense variant. On other transcripts: non-coding transcript variant (1).
Genome position (GRCh38, 1-based): chr20:63,695,469, C>T. VCF-style: chr20-63695469-C-T. GRCh37 (hg19) VCF-style: chr20-62326822-C-T.
Other names: c.2972C>T, p.Ala991Val (NM_001283010.1); c.3641C>T, p.Ala1214Val (NM_016434.4); c.3713C>T, p.Ala1238Val (NM_032957.5); short protein forms A991V, A1214V, A1238V.
Identifiers: ClinVar variation 3436042 (VCV003436042.2).
Genomic context (GRCh38, chr20:63,695,469, plus strand): 5'-GGGCGGGCGGTGAGGATGCAGGTCCCAGCCAGTCCTCAGGACCTCCCCACGGGCCTGCAG[C>T]ATCTGAGTGGGGTGAGCCTCATGGGAGAGACATCGCTGGGCAGCAGGCCACGGGAGCTCC-3'
Protein context (NP_001269938.1, residues 1204-1224): QSSGPPHGPA[Ala1214Val]SEWGEPHGRD